The following is an entry in ClinVar:

ClinVar aggregate classification (germline): other (0 of 4 stars; one submission).

Conditions:
Familial colorectal cancer. Identifiers: MedGen CN280943, MONDO:0023113. Disease mechanism: loss of function.

Submission:

Systems Biology Platform Zhejiang California International NanoSystems Institute
Classification: other for Familial colorectal cancer. Review status: no assertion criteria provided. Collection method: not provided. Allele origin: unknown.
ClinVar note: Converted during submission from cancer to other.

NM_000038.6(APC):c.1958+695A>C

Gene: APC (APC regulator of WNT signaling pathway; plus strand). Cytogenetic location: 5q22.2.
Variant type: single nucleotide variant.
Coding change: c.1958+695A>C on transcript NM_000038.6 (MANE Select); 695 bases into the intron after coding-DNA position 1958, A replaced by C.
Molecular consequence: intron variant.
Genome position (GRCh38, 1-based): chr5:112,835,860, A>C. VCF-style: chr5-112835860-A-C. GRCh37 (hg19) VCF-style: chr5-112171557-A-C.
Other names: c.1958+695A>C (NM_001354895.2, NM_001127510.3); c.1988+695A>C (NM_001354897.2); c.1685+695A>C (NM_001354902.2); c.1904+695A>C (NM_001127511.3); c.1883+695A>C (NM_001354898.2); c.1580+695A>C (NM_001354904.2); c.1109+695A>C (NM_001354906.2); c.2012+695A>C (NM_001354896.2); and 5 more.
Identifiers: ClinVar variation 82622 (VCV000082622.2), dbSNP rs77529757, ClinGen allele CA006701.